The following is an entry in ClinVar:

NM_014233.4(UBTF):c.1232T>A (p.Val411Glu)

Genes: ATXN7L3-AS1 (ATXN7L3 antisense RNA 1; plus strand), UBTF (upstream binding transcription factor; minus strand), LOC121587595 (Sharpr-MPRA regulatory region 7848; plus strand). Cytogenetic location: 17q21.31.
Variant type: single nucleotide variant.
Coding change: c.1232T>A on transcript NM_014233.4 (MANE Select); coding-DNA position 1232, T replaced by A.
Protein change: p.Val411Glu; replaces valine 411 with glutamic acid.
Molecular consequence: missense variant. On other transcripts: non-coding transcript variant (1).
Genome position (GRCh38, 1-based): chr17:44,210,919, A>T on the plus strand (T>A on the coding strand, the complement: UBTF is on the minus strand). VCF-style: chr17-44210919-A-T. GRCh37 (hg19) VCF-style: chr17-42288287-A-T.
Other names: c.1121T>A, p.Val374Glu (NM_001076683.2, NM_001076684.3); short protein forms V374E, V411E.
Identifiers: ClinVar variation 5019434 (VCV005019434.2).

ClinVar aggregate classification (germline): Uncertain significance (1 of 4 stars; one submission).

Conditions:
Childhood-onset motor and cognitive regression syndrome with extrapyramidal movement disorder. Also called: NEURODEGENERATION, CHILDHOOD-ONSET, WITH BRAIN ATROPHY. Identifiers: Orphanet 500180, MedGen C4540086, MONDO:0044701, OMIM 617672.

Submission:

Juno Genomics, Hangzhou Juno Genomics, Inc
Classification: Uncertain significance for Childhood-onset motor and cognitive regression syndrome with extrapyramidal movement disorder. Review status: criteria provided, single submitter. Criteria: ACMG Guidelines, 2015. Collection method: clinical testing. Allele origin: germline.
Comment: Absent from controls (or at extremely low frequency if recessive) in Genome Aggregation Database.;Multiple lines of computational evidence support a deleterious effect on the gene or gene product.;Missense variant in a gene that has a low rate of benign missense variation.